The following is an entry in ClinVar:

NM_000059.4(BRCA2):c.7334G>T (p.Ser2445Ile)

Gene: BRCA2 (BRCA2 DNA repair associated; plus strand). Cytogenetic location: 13q13.1.
Variant type: single nucleotide variant.
Coding change: c.7334G>T on transcript NM_000059.4 (MANE Select); coding-DNA position 7334, G replaced by T.
Protein change: p.Ser2445Ile; replaces serine 2445 with isoleucine.
Molecular consequence: missense variant.
Genome position (GRCh38, 1-based): chr13:32,355,187, G>T. VCF-style: chr13-32355187-G-T. GRCh37 (hg19) VCF-style: chr13-32929324-G-T.
Other names: c.7238G>T, p.Ser2413Ile (NM_001406719.1); c.7334G>T, p.Ser2445Ile (NM_001406720.1); c.2402G>T, p.Ser801Ile (NM_001406721.1); c.917G>T, p.Ser306Ile (NM_001406722.1); short protein forms S306I, S801I, S2413I, S2445I.
Identifiers: ClinVar variation 1758393 (VCV001758393.2), dbSNP rs2072682728, ClinGen allele CA387741224.

ClinVar aggregate classification (germline): Uncertain significance (1 of 4 stars; one submission).

Conditions:
Hereditary cancer-predisposing syndrome. Also called: Neoplastic Syndromes, Hereditary; Tumor predisposition; Hereditary Cancer Syndrome; Hereditary neoplastic syndrome. Identifiers: Orphanet 140162, MedGen C0027672, MeSH D009386, MONDO:0015356.

Submission:

Ambry Genetics
Classification: Uncertain significance for Hereditary cancer-predisposing syndrome. Last evaluated: 2021-12-03. Review status: criteria provided, single submitter. Criteria: Ambry Variant Classification Scheme 2023. Collection method: clinical testing. Allele origin: germline.
Comment: The p.S2445I variant (also known as c.7334G>T), located in coding exon 13 of the BRCA2 gene, results from a G to T substitution at nucleotide position 7334. The serine at codon 2445 is replaced by isoleucine, an amino acid with dissimilar properties. This amino acid position is conserved. In addition, this alteration is predicted to be tolerated by in silico analysis. Since supporting evidence is limited at this time, the clinical significance of this alteration remains unclear.